The following is an entry in ClinVar:

NM_005006.7(NDUFS1):c.29_42del (p.Ala9_Leu10insTer)

Gene: NDUFS1 (NADH:ubiquinone oxidoreductase core subunit S1; minus strand). Cytogenetic location: 2q33.3.
Variant type: Deletion.
Coding change: c.29_42del on transcript NM_005006.7 (MANE Select); coding-DNA positions 29 to 42, 14 bases deleted (TAGTAGGCCTTTCT).
Protein change: p.Ala9_Leu10insTer.
Molecular consequence: nonsense. On other transcripts: 5 prime UTR variant (2).
Genome position (GRCh38, 1-based): chr2:206,153,637-206,153,650, AGAAAGGCCTACTA deleted on the plus strand (TAGTAGGCCTTTCT on the coding strand, the reverse complement: NDUFS1 is on the minus strand); deleting any 14 consecutive bases within chr2:206,153,637-206,153,652 gives the same sequence; the c. name uses the placement nearest the transcript's 3' end. VCF-style (leftmost placement, unchanged base first): chr2-206153636-TAGAAAGGCCTACTA-T. GRCh37 (hg19) VCF-style: chr2-207018360-TAGAAAGGCCTACTA-T.
Other names: c.29_42del, p.Ala9_Leu10insTer (NM_001199981.2); c.-28_-15del (NM_001199982.2); c.-51_-38del (NM_001199983.2); c.71_84del, p.Ala23_Leu24insTer (NM_001199984.2).
Identifiers: ClinVar variation 1897450 (VCV001897450.5), dbSNP rs769456978, ClinGen allele CA2070941.

ClinVar aggregate classification (germline): Pathogenic (1 of 4 stars; one submission).

Submission:

Labcorp Genetics (formerly Invitae), Labcorp
Classification: Pathogenic. Last evaluated: 2022-09-14. Review status: criteria provided, single submitter. Criteria: Invitae Variant Classification Sherloc (09022015). Collection method: clinical testing. Allele origin: germline.
Comment: This sequence change creates a premature translational stop signal (p.Leu10*) in the NDUFS1 gene. It is expected to result in an absent or disrupted protein product. Loss-of-function variants in NDUFS1 are known to be pathogenic (PMID: 11349233, 22200994). This variant is present in population databases (rs769456978, gnomAD 0.01%). This variant has not been reported in the literature in individuals affected with NDUFS1-related conditions. For these reasons, this variant has been classified as Pathogenic.

Literature cited by the submitters: PubMed 11349233; PubMed 22200994.